The following is an entry in ClinVar:

ClinVar aggregate classification (germline): Uncertain significance. Review status: criteria provided, multiple submitters, no conflicts (2 of 4 stars). 3 submissions from 3 submitters: Uncertain significance (3). Last evaluated 2026-01-05.

Conditions:
Mitochondrial DNA depletion syndrome 13. Also called: FBXL4-Related Encephalomyopathic Mitochondrial DNA Depletion Syndrome; Mitochondrial DNA depletion syndrome 13 (encephalomyopathic type). Identifiers: Orphanet 369897, MedGen C3809592, MONDO:0014198, OMIM 615471.

Allele frequency attached by ClinVar (database versions not stated): TOPMed 0.00001; gnomAD exomes 0.00005 and 0.00014; ExAC 0.00010; gnomAD 0.00012 and 0.00013.
gnomAD v4.1: 96 of 1,614,066 alleles (0.0059%); highest among the groups gnomAD compares: African/African-American, 0.0013%; no homozygotes.

Submissions (3):

Labcorp Genetics (formerly Invitae), Labcorp
Classification: Uncertain significance. Last evaluated: 2026-01-05. Review status: criteria provided, single submitter. Criteria: Invitae Variant Classification Sherloc (09022015). Collection method: clinical testing. Allele origin: germline.
Comment: This sequence change replaces threonine, which is neutral and polar, with asparagine, which is neutral and polar, at codon 44 of the FBXL4 protein (p.Thr44Asn). This variant is present in population databases (rs199983343, gnomAD 0.1%). This variant has not been reported in the literature in individuals affected with FBXL4-related conditions. ClinVar contains an entry for this variant (Variation ID: 437542). Invitae Evidence Modeling of protein sequence and biophysical properties (such as structural, functional, and spatial information, amino acid conservation, physicochemical variation, residue mobility, and thermodynamic stability) indicates that this missense variant is not expected to disrupt FBXL4 protein function with a negative predictive value of 80%. In summary, the available evidence is currently insufficient to determine the role of this variant in disease. Therefore, it has been classified as a Variant of Uncertain Significance.

Baylor Genetics
Classification: Uncertain significance for Mitochondrial DNA depletion syndrome 13. Last evaluated: 2018-04-25. Review status: criteria provided, single submitter. Criteria: ACMG Guidelines, 2015. Collection method: clinical testing. Allele origin: unknown. Affected: yes.
Comment: This variant was determined to be of uncertain significance according to ACMG Guidelines, 2015 [PMID:25741868].

Wong Mito Lab, Molecular and Human Genetics, Baylor College of Medicine
Classification: Uncertain significance for Mitochondrial DNA depletion syndrome 13. Last evaluated: 2017-08-10. Review status: criteria provided, single submitter. Criteria: ACMG Guidelines, 2015. Collection method: reference population. Allele origin: germline.
Comment: The NM_012160.4:c.131C>A (NP_036292.2:p.Thr44Asn) [GRCH38: NC_000006.12:g.98926858G>T] variant in FBXL4 gene is interpretated to be a Uncertain Significance - Conflicting Evidence based on ACMG guidelines (PMID: 25741868). This variant meets one or more of the following evidence codes reported in the ACMG-guideline. PM2:This variant is absent in key population databases. BP4:Computational evidence/predictors indicate no impact on the FBXL4 structure, function, or protein-protein interaction. Based on this evidence code ClinGen Pathogenicity Calculator (PMID:28081714) suggested that the variant is Uncertain Significance - Conflicting Evidence.

NM_001278716.2(FBXL4):c.131C>A (p.Thr44Asn)

Gene: FBXL4 (F-box and leucine rich repeat protein 4; minus strand). Cytogenetic location: 6q16.2.
Variant type: single nucleotide variant.
Coding change: c.131C>A on transcript NM_001278716.2 (MANE Select); coding-DNA position 131, C replaced by A.
Protein change: p.Thr44Asn; replaces threonine 44 with asparagine.
Molecular consequence: missense variant. On other transcripts: non-coding transcript variant (2).
Genome position (GRCh38, 1-based): chr6:98,926,858, G>T on the plus strand (C>A on the coding strand, the complement: FBXL4 is on the minus strand). VCF-style: chr6-98926858-G-T. GRCh37 (hg19) VCF-style: chr6-99374734-G-T.
Other names: c.131C>A, p.Thr44Asn (NM_012160.5); short protein forms T44N.
Identifiers: ClinVar variation 437542 (VCV000437542.4), dbSNP rs199983343, ClinGen allele CA3933730.